The following is an entry in ClinVar:

NM_080916.3(DGUOK):c.115C>G (p.Arg39Gly)

Genes: DGUOK (deoxyguanosine kinase; plus strand), LOC129934096 (ATAC-STARR-seq lymphoblastoid active region 16036; plus strand). Cytogenetic location: 2p13.1.
Variant type: single nucleotide variant.
Coding change: c.115C>G on transcript NM_080916.3 (MANE Select); coding-DNA position 115, C replaced by G.
Protein change: p.Arg39Gly; replaces arginine 39 with glycine.
Molecular consequence: missense variant. On other transcripts: 5 prime UTR variant (4), non-coding transcript variant (6).
Genome position (GRCh38, 1-based): chr2:73,927,025, C>G. VCF-style: chr2-73927025-C-G. GRCh37 (hg19) VCF-style: chr2-74154152-C-G.
Other names: c.115C>G (NM_080916.1, NM_080916.2); c.115C>G, p.Arg39Gly (NM_001318859.2, NM_080918.3); c.-64C>G (NM_001318860.2, NM_001318863.2); c.-150C>G (NM_001318861.2, NM_001318862.2); short protein forms R39G.
Identifiers: ClinVar variation 2101280 (VCV002101280.4), dbSNP rs770951285, ClinGen allele CA1718146.

ClinVar aggregate classification (germline): Uncertain significance. Review status: criteria provided, multiple submitters, no conflicts (2 of 4 stars). 4 submissions from 4 submitters: Uncertain significance (4). Last evaluated 2025-05-13.

Conditions:
Inborn genetic diseases. Identifiers: MedGen C0950123, MeSH D030342.
DGUOK-related disorder. Also called: DGUOK-related condition.

Allele frequency attached by ClinVar (database versions not stated): ExAC 0.00003; TOPMed 0.00003.
gnomAD v4.1: 10 of 1,610,468 alleles (0.00062%); highest among the groups gnomAD compares: Admixed American, 0.015%; no homozygotes.

Submissions (4):

PreventionGenetics, part of Exact Sciences
Classification: Uncertain significance for DGUOK-related condition. Last evaluated: 2025-05-13. Review status: criteria provided, single submitter. Criteria: ACMG Guidelines, 2015. Collection method: clinical testing. Allele origin: germline.
Comment: The DGUOK c.115C>G variant is predicted to result in the amino acid substitution p.Arg39Gly. To our knowledge, this variant has not been reported in the literature. This variant is reported in 0.023% of alleles in individuals of Latino descent in gnomAD. At this time, the clinical significance of this variant is uncertain due to the absence of conclusive functional and genetic evidence.

Ambry Genetics
Classification: Uncertain significance for Inborn genetic diseases. Last evaluated: 2024-02-13. Review status: criteria provided, single submitter. Criteria: Ambry Variant Classification Scheme 2023. Collection method: clinical testing. Allele origin: germline.

Women's Health and Genetics/Laboratory Corporation of America, LabCorp
Classification: Uncertain significance. Last evaluated: 2023-07-25. Review status: criteria provided, single submitter. Criteria: LabCorp Variant Classification Summary - May 2015. Collection method: clinical testing. Allele origin: germline.
Comment: Variant summary: DGUOK c.115C>G (p.Arg39Gly) results in a non-conservative amino acid change in the encoded protein sequence. Four of five in-silico tools predict a damaging effect of the variant on protein function. The variant allele was found at a frequency of 3.7e-05 in 246280 control chromosomes (gnomAD). The available data on variant occurrences in the general population are insufficient to allow any conclusion about variant significance. To our knowledge, no occurrence of c.115C>G in individuals affected with DGUOK-Related Disorders and no experimental evidence demonstrating its impact on protein function have been reported. One submitter has provided a clinical-significance assessment for this variant to ClinVar after 2014 and has classified the variant as uncertain significance. Based on the evidence outlined above, the variant was classified as uncertain significance.

Labcorp Genetics (formerly Invitae), Labcorp
Classification: Uncertain significance. Last evaluated: 2022-05-09. Review status: criteria provided, single submitter. Criteria: Invitae Variant Classification Sherloc (09022015). Collection method: clinical testing. Allele origin: germline.
Comment: This sequence change replaces arginine, which is basic and polar, with glycine, which is neutral and non-polar, at codon 39 of the DGUOK protein (p.Arg39Gly). This variant is present in population databases (rs770951285, gnomAD 0.02%). This variant has not been reported in the literature in individuals affected with DGUOK-related conditions. Algorithms developed to predict the effect of missense changes on protein structure and function (SIFT, PolyPhen-2, Align-GVGD) all suggest that this variant is likely to be tolerated. In summary, the available evidence is currently insufficient to determine the role of this variant in disease. Therefore, it has been classified as a Variant of Uncertain Significance.